The following is an entry in ClinVar:

NM_000439.5(PCSK1):c.1711A>T (p.Ile571Phe)

Genes: CAST (calpastatin; plus strand), PCSK1 (proprotein convertase subtilisin/kexin type 1; minus strand), LOC101929710 (uncharacterized LOC101929710; plus strand). Cytogenetic location: 5q15.
Variant type: single nucleotide variant.
Coding change: c.1711A>T on transcript NM_000439.5 (MANE Select); coding-DNA position 1711, A replaced by T.
Protein change: p.Ile571Phe; replaces isoleucine 571 with phenylalanine.
Molecular consequence: missense variant. On other transcripts: intron variant (11).
Genome position (GRCh38, 1-based): chr5:96,397,347, T>A on the plus strand (A>T on the coding strand, the complement: PCSK1 is on the minus strand). VCF-style: chr5-96397347-T-A. GRCh37 (hg19) VCF-style: chr5-95733051-T-A.
Other names: c.-175+17695T>A (NM_001423255.1, NM_001423250.1, NM_001423251.1 and 6 more transcripts); c.-40+17695T>A (NM_001423258.1); c.1570A>T, p.Ile524Phe (NM_001177875.2); c.-103+17695T>A (NM_001423253.1); short protein forms I524F, I571F.
Identifiers: ClinVar variation 3351734 (VCV003351734.3).

ClinVar aggregate classification (germline): Uncertain significance. Review status: criteria provided, multiple submitters, no conflicts (2 of 4 stars). 2 submissions from 2 submitters: Uncertain significance (2). Last evaluated 2026-09-09.

Conditions:
Inborn genetic diseases. Identifiers: MedGen C0950123, MeSH D030342.
PCSK1-related disorder. Also called: PCSK1-related condition.

gnomAD v4.1: 36 of 1,613,286 alleles (0.0022%); highest among the groups gnomAD compares: Non-Finnish European, 0.0031%; no homozygotes.

Submissions (2):

PreventionGenetics, part of Exact Sciences
Classification: Uncertain significance for PCSK1-related condition. Last evaluated: 2026-09-09. Review status: criteria provided, single submitter. Criteria: ACMG Guidelines, 2015. Collection method: clinical testing. Allele origin: germline.
Comment: The PCSK1 c.1711A>T variant is predicted to result in the amino acid substitution p.Ile571Phe. This variant was observed in a cohort of individuals with obesity, and in vitro functional studies showed suggestive evidence of loss of function (Supplemental Data Set, Shah et al. 2023. PubMed ID: 36864747). This variant is reported in 0.00088% of alleles in individuals of European (Non-Finnish) descent in gnomAD. At this time, the clinical significance of this variant is uncertain due to the absence of conclusive functional and genetic evidence.

Ambry Genetics
Classification: Uncertain significance for Inborn genetic diseases. Last evaluated: 2024-12-07. Review status: criteria provided, single submitter. Criteria: Ambry Variant Classification Scheme 2023. Collection method: clinical testing. Allele origin: germline.